The following is an entry in ClinVar:

NM_003906.5(MCM3AP):c.3153G>A (p.Pro1051=)

Gene: MCM3AP (minichromosome maintenance complex component 3 associated protein; minus strand). Cytogenetic location: 21q22.3.
Variant type: single nucleotide variant.
Coding change: c.3153G>A on transcript NM_003906.5 (MANE Select); coding-DNA position 3153, G replaced by A.
Protein change: p.Pro1051=; no amino-acid change (proline 1051 retained).
Molecular consequence: synonymous variant.
Genome position (GRCh38, 1-based): chr21:46,265,402, C>T on the plus strand (G>A on the coding strand, the complement: MCM3AP is on the minus strand). VCF-style: chr21-46265402-C-T. GRCh37 (hg19) VCF-style: chr21-47685316-C-T.
Identifiers: ClinVar variation 1631916 (VCV001631916.26), dbSNP rs140395002, ClinGen allele CA10076608.
Genomic context (GRCh38, chr21:46,265,402, plus strand): 5'-GGGCTCTGGAGGCGGTGGTTCAGGCTGCACAGACAGCTGGAAGAGGCTGGGCGCCACAGA[C>T]GGGGTCAGTGCCAGGACAGGAGGCAGAGGCACTGGTGAGGGCGCAGGGGCTGGTAGAGAC-3'
Protein context (NP_003897.2, residues 1041-1061): VPLPPVLALT[Pro1051=]SVAPSLFQLS

ClinVar aggregate classification (germline): Likely benign. Review status: criteria provided, multiple submitters, no conflicts (2 of 4 stars). 3 submissions from 3 submitters: Likely benign (3). Last evaluated 2025-01-01.

Allele frequency attached by ClinVar (database versions not stated): TOPMed 0.00004; ExAC 0.00005; gnomAD 0.00006 and 0.00007; ESP Exome Variant Server 0.00008; 1000 Genomes Project 30x 0.00016; 1000 Genomes Project 0.00020.
gnomAD v4.1: 95 of 1,614,036 alleles (0.0059%); highest among the groups gnomAD compares: Non-Finnish European, 0.0065%; no homozygotes.

Submissions (3):

Labcorp Genetics (formerly Invitae), Labcorp
Classification: Likely benign. Last evaluated: 2025-01-01. Review status: criteria provided, single submitter. Criteria: Invitae Variant Classification Sherloc (09022015). Collection method: clinical testing. Allele origin: germline.

Blueprint Genetics
Classification: Likely benign. Last evaluated: 2024-10-24. Review status: criteria provided, single submitter. Criteria: ACMG Guidelines, 2015. Collection method: clinical testing. Allele origin: germline.

CeGaT Center for Human Genetics Tuebingen
Classification: Likely benign. Last evaluated: 2024-07-01. Review status: criteria provided, single submitter. Criteria: CeGaT Center For Human Genetics Tuebingen Variant Classification Criteria Version 2. Collection method: clinical testing. Allele origin: germline. Affected: yes. Observed: 1 variant allele.
Comment: MCM3AP: BP4, BP7